The following is an entry in ClinVar:

NM_006218.4(PIK3CA):c.1458C>T (p.Phe486=)

Gene: PIK3CA (phosphatidylinositol-4,5-bisphosphate 3-kinase catalytic subunit alpha; plus strand). Cytogenetic location: 3q26.32.
Variant type: single nucleotide variant.
Coding change: c.1458C>T on transcript NM_006218.4 (MANE Select); coding-DNA position 1458, C replaced by T.
Protein change: p.Phe486=; no amino-acid change (phenylalanine 486 retained).
Molecular consequence: synonymous variant.
Genome position (GRCh38, 1-based): chr3:179,210,484, C>T. VCF-style: chr3-179210484-C-T. GRCh37 (hg19) VCF-style: chr3-178928272-C-T.
Identifiers: ClinVar variation 696899 (VCV000696899.54), dbSNP rs201775914, ClinGen allele CA2710725.

ClinVar aggregate classification (germline): Likely benign. Review status: criteria provided, multiple submitters, no conflicts (2 of 4 stars). 3 submissions from 3 submitters: Likely benign (3). Last evaluated 2026-09-01.

Conditions:
Inborn genetic diseases. Identifiers: MedGen C0950123, MeSH D030342.
Cowden syndrome (CS). Also called: Cowden disease; Cowden's disease; Cowden's syndrome. Identifiers: Orphanet 201, MedGen C0018553, MONDO:0016063. Disease mechanism: gain of function.

Allele frequency attached by ClinVar (database versions not stated): ExAC 0.00001; gnomAD 0.00001; gnomAD exomes 0.00001; TOPMed 0.00001.
gnomAD v4.1: 19 of 1,613,762 alleles (0.0012%); highest among the groups gnomAD compares: Non-Finnish European, 0.0015%; no homozygotes.

Submissions (3):

CeGaT Center for Human Genetics Tuebingen
Classification: Likely benign. Last evaluated: 2026-09-01. Review status: criteria provided, single submitter. Criteria: CeGaT Center For Human Genetics Tuebingen Variant Classification Criteria Version 2. Collection method: clinical testing. Allele origin: germline. Affected: yes. Observed: 2 variant alleles.
Comment: PIK3CA: BP4, BP7

Labcorp Genetics (formerly Invitae), Labcorp
Classification: Likely benign for Cowden syndrome. Last evaluated: 2025-07-31. Review status: criteria provided, single submitter. Criteria: Invitae Variant Classification Sherloc (09022015). Collection method: clinical testing. Allele origin: germline.

Ambry Genetics
Classification: Likely benign for Inborn genetic diseases. Last evaluated: 2022-04-21. Review status: criteria provided, single submitter. Criteria: Ambry Variant Classification Scheme 2023. Collection method: clinical testing. Allele origin: germline.